The following is an entry in ClinVar:

NM_000051.4(ATM):c.8614C>T (p.His2872Tyr)

Genes: ATM (ATM serine/threonine kinase; plus strand), C11orf65 (chromosome 11 open reading frame 65; minus strand). Cytogenetic location: 11q22.3.
Variant type: single nucleotide variant.
Coding change: c.8614C>T on transcript NM_000051.4 (MANE Select); coding-DNA position 8614, C replaced by T.
Protein change: p.His2872Tyr; replaces histidine 2872 with tyrosine.
Molecular consequence: missense variant. On other transcripts: intron variant (2).
Genome position (GRCh38, 1-based): chr11:108,347,308, C>T. VCF-style: chr11-108347308-C-T. GRCh37 (hg19) VCF-style: chr11-108218035-C-T.
Other names: c.8614C>T, p.His2872Tyr (NM_001351834.2); c.641-38237G>A (NM_001330368.2); c.695-12016G>A (NM_001351110.2); short protein forms H2872Y.
Identifiers: ClinVar variation 1410510 (VCV001410510.8), dbSNP rs2088549387, ClinGen allele CA382520656.

ClinVar aggregate classification (germline): Uncertain significance (1 of 4 stars; one submission).

Conditions:
Ataxia-telangiectasia syndrome (AT). Also called: Ataxia-telangiectasia; LOUIS-BAR SYNDROME; Ataxia-telangiectasia, complementation group D; AT, COMPLEMENTATION GROUP C; ATAXIA-TELANGIECTASIA, COMPLEMENTATION GROUP A; ATAXIA-TELANGIECTASIA, FRESNO VARIANT. Identifiers: Orphanet 100, MedGen C0004135, MONDO:0008840, OMIM 208900.

Submission:

Labcorp Genetics (formerly Invitae), Labcorp
Classification: Uncertain significance for Ataxia-telangiectasia syndrome. Last evaluated: 2022-06-18. Review status: criteria provided, single submitter. Criteria: Invitae Variant Classification Sherloc (09022015). Collection method: clinical testing. Allele origin: germline.
Comment: In summary, the available evidence is currently insufficient to determine the role of this variant in disease. Therefore, it has been classified as a Variant of Uncertain Significance. Advanced modeling of protein sequence and biophysical properties (such as structural, functional, and spatial information, amino acid conservation, physicochemical variation, residue mobility, and thermodynamic stability) performed at Invitae indicates that this missense variant is expected to disrupt ATM protein function. This variant has not been reported in the literature in individuals affected with ATM-related conditions. This variant is not present in population databases (gnomAD no frequency). This sequence change replaces histidine, which is basic and polar, with tyrosine, which is neutral and polar, at codon 2872 of the ATM protein (p.His2872Tyr).